The following is an entry in ClinVar:

ClinVar aggregate classification (germline): Uncertain significance (1 of 4 stars; one submission).

Allele frequency attached by ClinVar (database versions not stated): gnomAD exomes below 0.00001; ExAC 0.00001.
gnomAD v4.1: 3 of 1,614,214 alleles (0.00019%); highest among the groups gnomAD compares: South Asian, 0.0033%; no homozygotes.

Submission:

Labcorp Genetics (formerly Invitae), Labcorp
Classification: Uncertain significance. Last evaluated: 2021-11-10. Review status: criteria provided, single submitter. Criteria: Invitae Variant Classification Sherloc (09022015). Collection method: clinical testing. Allele origin: germline.
Comment: Algorithms developed to predict the effect of missense changes on protein structure and function (SIFT, PolyPhen-2, Align-GVGD) all suggest that this variant is likely to be tolerated. This variant has not been reported in the literature in individuals affected with OPN1SW-related conditions. In summary, the available evidence is currently insufficient to determine the role of this variant in disease. Therefore, it has been classified as a Variant of Uncertain Significance. This variant is present in population databases (rs770406105, gnomAD 0.003%). This sequence change replaces threonine, which is neutral and polar, with proline, which is neutral and non-polar, at codon 152 of the OPN1SW protein (p.Thr152Pro).

NM_001385125.1(OPN1SW):c.445A>C (p.Thr149Pro)

Gene: OPN1SW (opsin 1, short wave sensitive; minus strand). Cytogenetic location: 7q32.1.
Variant type: single nucleotide variant.
Coding change: c.445A>C on transcript NM_001385125.1 (MANE Select); coding-DNA position 445, A replaced by C.
Protein change: p.Thr149Pro; replaces threonine 149 with proline.
Molecular consequence: missense variant.
Genome position (GRCh38, 1-based): chr7:128,775,053, T>G on the plus strand (A>C on the coding strand, the complement: OPN1SW is on the minus strand). VCF-style: chr7-128775053-T-G. GRCh37 (hg19) VCF-style: chr7-128415107-T-G.
Other names: short protein forms T149P.
Identifiers: ClinVar variation 1425308 (VCV001425308.6), dbSNP rs770406105, ClinGen allele CA4472942.